The following is an entry in ClinVar:

NM_014956.5(CEP164):c.53A>G (p.Tyr18Cys)

Gene: CEP164 (centrosomal protein 164; plus strand). Cytogenetic location: 11q23.3.
Variant type: single nucleotide variant.
Coding change: c.53A>G on transcript NM_014956.5 (MANE Select); coding-DNA position 53, A replaced by G.
Protein change: p.Tyr18Cys; replaces tyrosine 18 with cysteine.
Molecular consequence: missense variant. On other transcripts: intron variant (1).
Genome position (GRCh38, 1-based): chr11:117,338,639, A>G. VCF-style: chr11-117338639-A-G. GRCh37 (hg19) VCF-style: chr11-117209355-A-G.
Other names: c.53A>G, p.Tyr18Cys (NM_001271933.2, NM_001440949.1, NM_001440950.1 and 36 more transcripts); c.-57+2959A>G (NM_001440960.1); short protein forms Y18C.
Identifiers: ClinVar variation 4980360 (VCV004980360.1).

ClinVar aggregate classification (germline): Uncertain significance (1 of 4 stars; one submission).

Conditions:
CEP164-related disorder. Also called: CEP164-related condition.

gnomAD v4.1: 12 of 1,614,102 alleles (0.00074%); highest among the groups gnomAD compares: Admixed American, 0.0017%; no homozygotes.

Submission:

PreventionGenetics, part of Exact Sciences
Classification: Uncertain significance for CEP164-related condition. Last evaluated: 2025-04-14. Review status: criteria provided, single submitter. Criteria: ACMG Guidelines, 2015. Collection method: clinical testing. Allele origin: germline.
Comment: The CEP164 c.53A>G variant is predicted to result in the amino acid substitution p.Tyr18Cys. To our knowledge, this variant has not been reported in the literature. This variant is reported in 0.00088% of alleles in individuals of European (Non-Finnish) descent in gnomAD. At this time, the clinical significance of this variant is uncertain due to the absence of conclusive functional and genetic evidence.